The following is an entry in ClinVar:

NM_001793.6(CDH3):c.2099A>G (p.Tyr700Cys)

Gene: CDH3 (cadherin 3; plus strand). Cytogenetic location: 16q22.1.
Variant type: single nucleotide variant.
Coding change: c.2099A>G on transcript NM_001793.6 (MANE Select); coding-DNA position 2099, A replaced by G.
Protein change: p.Tyr700Cys; replaces tyrosine 700 with cysteine.
Molecular consequence: missense variant.
Genome position (GRCh38, 1-based): chr16:68,695,351, A>G. VCF-style: chr16-68695351-A-G. GRCh37 (hg19) VCF-style: chr16-68729254-A-G.
Other names: c.2099A>G, p.Tyr700Cys (NM_001317195.3); c.1934A>G, p.Tyr645Cys (NM_001317196.2); short protein forms Y700C, Y645C.
Identifiers: ClinVar variation 1996730 (VCV001996730.1), dbSNP rs2543766352, ClinGen allele CA396456066.

ClinVar aggregate classification (germline): Uncertain significance (1 of 4 stars; one submission).

Submission:

Labcorp Genetics (formerly Invitae), Labcorp
Classification: Uncertain significance. Last evaluated: 2022-05-20. Review status: criteria provided, single submitter. Criteria: Invitae Variant Classification Sherloc (09022015). Collection method: clinical testing. Allele origin: germline.
Comment: This sequence change replaces tyrosine, which is neutral and polar, with cysteine, which is neutral and slightly polar, at codon 700 of the CDH3 protein (p.Tyr700Cys). This variant is not present in population databases (gnomAD no frequency). This variant has not been reported in the literature in individuals affected with CDH3-related conditions. Algorithms developed to predict the effect of missense changes on protein structure and function are either unavailable or do not agree on the potential impact of this missense change (SIFT: "Not Available"; PolyPhen-2: "Probably Damaging"; Align-GVGD: "Not Available"). In summary, the available evidence is currently insufficient to determine the role of this variant in disease. Therefore, it has been classified as a Variant of Uncertain Significance.